The following is an entry in ClinVar:

ClinVar aggregate classification (germline): Uncertain significance (1 of 4 stars; one submission).

Conditions:
KSR2-related disorder. Also called: KSR2-related condition.

gnomAD v4.1: 6 of 1,607,114 alleles (0.00037%); highest among the groups gnomAD compares: African/African-American, 0.008%; no homozygotes.

Submission:

PreventionGenetics, part of Exact Sciences
Classification: Uncertain significance for KSR2-related condition. Last evaluated: 2025-09-03. Review status: criteria provided, single submitter. Criteria: ACMG Guidelines, 2015. Collection method: clinical testing. Allele origin: germline.
Comment: The KSR2 c.2456A>G variant is predicted to result in the amino acid substitution p.Lys819Arg. To our knowledge, this variant has not been reported in the literature. This variant is reported in 0.0087% of alleles in individuals of African descent in gnomAD. At this time, the clinical significance of this variant is uncertain due to the absence of conclusive functional and genetic evidence.

NM_173598.6(KSR2):c.2543A>G (p.Lys848Arg)

Gene: KSR2 (kinase suppressor of ras 2; minus strand). Cytogenetic location: 12q24.22.
Variant type: single nucleotide variant.
Coding change: c.2543A>G on transcript NM_173598.6 (MANE Select); coding-DNA position 2543, A replaced by G.
Protein change: p.Lys848Arg; replaces lysine 848 with arginine.
Molecular consequence: missense variant.
Genome position (GRCh38, 1-based): chr12:117,476,503, T>C on the plus strand (A>G on the coding strand, the complement: KSR2 is on the minus strand). VCF-style: chr12-117476503-T-C. GRCh37 (hg19) VCF-style: chr12-117914308-T-C.
Other names: short protein forms K848R.
Identifiers: ClinVar variation 4977946 (VCV004977946.1).